The following is an entry in ClinVar:

ClinVar aggregate classification (germline): Benign (1 of 4 stars; one submission).

Allele frequency attached by ClinVar (database versions not stated): 1000 Genomes Project 0.89736; TOPMed 0.91804; gnomAD 0.91924; gnomAD exomes 0.92181.
gnomAD v4.1: 622,843 of 676,124 alleles (92%); highest among the groups gnomAD compares: Admixed American, 95%; 287,164 homozygotes.

Submission:

Unidad de Genómica Garrahan, Hospital de Pediatría Garrahan
Classification: Benign. Last evaluated: 2024-01-24. Review status: criteria provided, single submitter. Criteria: ACMG Guidelines, 2015. Collection method: clinical testing. Allele origin: germline. Affected: no. Observed: 94 variant alleles.
Comment: This variant is classified as Benign based on local population frequency. This variant was detected in 99% of patients studied by a panel of primary immunodeficiencies. Number of patients: 94. Only high quality variants are reported.

NM_001289125.3(IFNAR2):c.841-290C>T

Genes: IFNAR2 (interferon alpha and beta receptor subunit 2; plus strand), IFNAR2-IL10RB (IFNAR2-IL10RB readthrough; plus strand). Cytogenetic location: 21q22.11.
Variant type: single nucleotide variant.
Coding change: c.841-290C>T on transcript NM_001289125.3 (MANE Select); 290 bases into the intron before coding-DNA position 841, C replaced by T.
Molecular consequence: intron variant.
Genome position (GRCh38, 1-based): chr21:33,262,503, C>T. VCF-style: chr21-33262503-C-T. GRCh37 (hg19) VCF-style: chr21-34634808-C-T.
Other names: c.710-5891C>T (NM_001414505.1); c.841-58C>T (NM_000874.5, NM_207584.3); c.710-290C>T (NM_001289128.2, NM_001289126.2); c.841-290C>T (NM_207585.3, NM_001385055.1); c.710-58C>T (NM_001385054.1).
Identifiers: ClinVar variation 2688182 (VCV002688182.2), dbSNP rs6517157, ClinGen allele CA16592903.